The following is an entry in ClinVar:

ClinVar aggregate classification (germline): Pathogenic/Likely pathogenic. Review status: criteria provided, multiple submitters, no conflicts (2 of 4 stars). 2 submissions from 2 submitters: Pathogenic (1); Likely pathogenic (1). Last evaluated 2024-06-06.

Conditions:
Combined malonic and methylmalonic acidemia. Identifiers: Orphanet 289504, MedGen C3280314, MONDO:0013661, OMIM 614265.

Submissions (2):

Natera, Inc.
Classification: Likely pathogenic for Combined malonic and methylmalonic aciduria. Last evaluated: 2024-06-06. Review status: criteria provided, single submitter. Criteria: Natera Variant Classification Schema (03/2026). Collection method: clinical testing. Allele origin: germline.
Comment: The c.184C>T variant in ACSF3 is a nonsense variant predicted to introduce a stop codon at amino acid 62. This variant is expected to result in nonsense mediated decay, truncation, or a dysfunctional protein product. This variant is rare in the general population with a frequency below the threshold expected for the associated phenotype(s). Given the available evidence, this variant is classified as Likely Pathogenic.

Labcorp Genetics (formerly Invitae), Labcorp
Classification: Pathogenic for Combined malonic and methylmalonic acidemia. Last evaluated: 2022-12-10. Review status: criteria provided, single submitter. Criteria: Invitae Variant Classification Sherloc (09022015). Collection method: clinical testing. Allele origin: germline.
Comment: For these reasons, this variant has been classified as Pathogenic. This variant has not been reported in the literature in individuals affected with ACSF3-related conditions. This variant is not present in population databases (gnomAD no frequency). This sequence change creates a premature translational stop signal (p.Gln62*) in the ACSF3 gene. It is expected to result in an absent or disrupted protein product. Loss-of-function variants in ACSF3 are known to be pathogenic (PMID: 21841779, 26827111).

Literature cited by the submitters: PubMed 21841779 (cited by Labcorp Genetics (formerly Invitae), Labcorp); PubMed 26827111 (cited by Labcorp Genetics (formerly Invitae), Labcorp).

NM_001243279.3(ACSF3):c.184C>T (p.Gln62Ter)

Gene: ACSF3 (acyl-CoA synthetase family member 3; plus strand). Cytogenetic location: 16q24.3.
Variant type: single nucleotide variant.
Coding change: c.184C>T on transcript NM_001243279.3 (MANE Select); coding-DNA position 184, C replaced by T.
Protein change: p.Gln62Ter; replaces glutamine 62 with a stop codon.
Molecular consequence: nonsense. On other transcripts: non-coding transcript variant (3), intron variant (1).
Genome position (GRCh38, 1-based): chr16:89,100,865, C>T. VCF-style: chr16-89100865-C-T. GRCh37 (hg19) VCF-style: chr16-89167273-C-T.
Other names: c.184C>T (NM_174917.4); c.184C>T, p.Gln62Ter (NM_001127214.4, NM_174917.5); c.-129-1739C>T (NM_001284316.2); short protein forms Q62*.
Identifiers: ClinVar variation 2816198 (VCV002816198.4), dbSNP rs2543520372, ClinGen allele CA397133584.